The following is an entry in ClinVar:

ClinVar aggregate classification (germline): Likely pathogenic (1 of 4 stars; one submission).

Conditions:
Menkes kinky-hair syndrome (MNK). Also called: Copper transport disease; Classic Menkes Disease; Menkes Disease. Identifiers: Orphanet 565, MedGen C0022716, MONDO:0010651, OMIM 309400.

Submission:

Myriad Genetics, Inc.
Classification: Likely pathogenic for Menkes kinky-hair syndrome. Last evaluated: 2022-01-31. Review status: criteria provided, single submitter. Criteria: Myriad Autosomal Dominant, Autosomal Recessive and X-Linked Classification Criteria (2023). Collection method: clinical testing. Allele origin: unknown.
Comment: NM_000052.5(ATP7A):c.1875_1876delAG(G626Ffs*2) is expected to be pathogenic in the context of ATP7A-related disorders. This variant is predicted to lead to an abnormal or absent protein product due to the creation of a premature termination codon in ATP7A, a gene where loss-of-function variants are known to be pathogenic. Please note: this variant was assessed in the context of healthy population screening.

NM_000052.7(ATP7A):c.1875_1876del (p.Gly626fs)

Gene: ATP7A (ATPase copper transporting alpha; plus strand). Cytogenetic location: Xq21.1.
Variant type: Deletion.
Coding change: c.1875_1876del on transcript NM_000052.7 (MANE Select); coding-DNA positions 1875 to 1876, 2 bases deleted (AG; older notation c.1875_1876delAG).
Protein change: p.Gly626fs; shifts the reading frame from glycine 626.
Molecular consequence: frameshift variant.
Genome position (GRCh38, 1-based): chrX:78,011,181-78,011,182, AG deleted. VCF-style (leftmost placement, unchanged base first): chrX-78011180-TAG-T. GRCh37 (hg19) VCF-style: chrX-77266677-TAG-T.
Other names: c.1875_1876del, p.Gly626fs (NM_001282224.2); short protein forms G626fs.
Identifiers: ClinVar variation 1724179 (VCV001724179.3), dbSNP rs2522347918, ClinGen allele CA2580101469.
Genomic context (GRCh38, chrX:78,011,180, plus strand): 5'-TCTATACAATATTTATATGTTCAGTGAAATAATTTTTTTCTCATGAATTTCCTTAGAGCT[TAG>T]GTTTTGAAGCTTCTTTGGTCAAGAAGGATCGGTCAGCAAGTCACTTAGATCATAAACGAG-3'